The following is an entry in ClinVar:

NM_004820.5(CYP7B1):c.1290_1291del (p.Gly432fs)

Gene: CYP7B1 (cytochrome P450 family 7 subfamily B member 1; minus strand). Cytogenetic location: 8q12.3.
Variant type: Deletion.
Coding change: c.1290_1291del on transcript NM_004820.5 (MANE Select); coding-DNA positions 1290 to 1291, 2 bases deleted (AA; older notation c.1290_1291delAA).
Protein change: p.Gly432fs; shifts the reading frame from glycine 432.
Molecular consequence: frameshift variant. On other transcripts: intron variant (1).
Genome position (GRCh38, 1-based): chr8:64,596,872-64,596,873, TT deleted on the plus strand (AA on the coding strand, the reverse complement: CYP7B1 is on the minus strand); deleting any 2 consecutive bases within chr8:64,596,872-64,596,875 gives the same sequence; the c. name uses the placement nearest the transcript's 3' end. VCF-style (leftmost placement, unchanged base first): chr8-64596871-CTT-C. GRCh37 (hg19) VCF-style: chr8-65509428-CTT-C.
Other names: c.1234-7029_1234-7028del (NM_001324112.2); short protein forms G432fs.
Identifiers: ClinVar variation 2842125 (VCV002842125.3), dbSNP rs2129629754, ClinGen allele CA2687453026.

ClinVar aggregate classification (germline): Pathogenic (1 of 4 stars; one submission).

Conditions:
Spastic paraplegia. Identifiers: MedGen C0037772, HP:0001258.

Submission:

Labcorp Genetics (formerly Invitae), Labcorp
Classification: Pathogenic for Spastic paraplegia. Last evaluated: 2023-09-08. Review status: criteria provided, single submitter. Criteria: Invitae Variant Classification Sherloc (09022015). Collection method: clinical testing. Allele origin: germline.
Comment: For these reasons, this variant has been classified as Pathogenic. This variant disrupts a region of the CYP7B1 protein in which other variant(s) (p.Leu487Phefs*11) have been determined to be pathogenic (PMID: 23812641, 26374131). This suggests that this is a clinically significant region of the protein, and that variants that disrupt it are likely to be disease-causing. This variant has not been reported in the literature in individuals affected with CYP7B1-related conditions. This variant is not present in population databases (gnomAD no frequency). This sequence change creates a premature translational stop signal (p.Gly432Glufs*39) in the CYP7B1 gene. While this is not anticipated to result in nonsense mediated decay, it is expected to disrupt the last 75 amino acid(s) of the CYP7B1 protein.

Literature cited by the submitters: PubMed 23812641; PubMed 26374131.